The following is an entry in ClinVar:

ClinVar aggregate classification (germline): Uncertain significance. Review status: criteria provided, multiple submitters, no conflicts (2 of 4 stars). 2 submissions from 2 submitters: Uncertain significance (2). Last evaluated 2025-03-06.

Conditions:
Tuberous sclerosis 2 (TSC2). Identifiers: Orphanet 805, MedGen C1860707, MONDO:0013199, OMIM 613254.
Hereditary cancer-predisposing syndrome. Also called: Hereditary neoplastic syndrome; Neoplastic Syndromes, Hereditary; Tumor predisposition; Hereditary Cancer Syndrome. Identifiers: Orphanet 140162, MedGen C0027672, MeSH D009386, MONDO:0015356.

Submissions (2):

Ambry Genetics
Classification: Uncertain significance for Hereditary cancer-predisposing syndrome. Last evaluated: 2025-03-06. Review status: criteria provided, single submitter. Criteria: Ambry Variant Classification Scheme 2023. Collection method: clinical testing. Allele origin: germline.
Comment: The c.3883+1G>A intronic variant results from a G to A substitution one nucleotide after coding exon 31 of the TSC2 gene. This nucleotide position is highly conserved in available vertebrate species. In silico splice site analysis predicts that this alteration will weaken the native splice donor site. RNA studies have demonstrated that this alteration results in a splice defect involving exons excluded from naturally occurring transcripts; the clinical impact of this abnormal splicing is unknown at this time (Ambry internal data). Based on the available evidence, the clinical significance of this variant remains unclear.

Labcorp Genetics (formerly Invitae), Labcorp
Classification: Uncertain significance for Tuberous sclerosis 2. Last evaluated: 2021-08-09. Review status: criteria provided, single submitter. Criteria: Invitae Variant Classification Sherloc (09022015). Collection method: clinical testing. Allele origin: germline.
Comment: This sequence change affects a donor splice site in intron 32 of the TSC2 gene. Loss-of-function variants in TSC2 are known to be pathogenic (PMID: 10205261, 17304050). However, tissue-specific alternative splicing of TSC2 gene results in a functional isoform lacking in-frame exon 32 (also known as exon 31, PMID: 26703369). For this reason the clinical significance of loss of function variants in exon 32 is currently uncertain. This variant is not present in population databases (ExAC no frequency). This variant has not been reported in the literature in individuals affected with TSC2-related conditions. Algorithms developed to predict the effect of sequence changes on RNA splicing suggest that this variant may disrupt the consensus splice site. In summary, the available evidence is currently insufficient to determine the role of this variant in disease. Therefore, it has been classified as a Variant of Uncertain Significance.

Literature cited by the submitters: PubMed 10205261 (cited by Labcorp Genetics (formerly Invitae), Labcorp); PubMed 17304050 (cited by Labcorp Genetics (formerly Invitae), Labcorp).

NM_000548.5(TSC2):c.3883+1G>A

Gene: TSC2 (TSC complex subunit 2; plus strand). Cytogenetic location: 16p13.3.
Variant type: single nucleotide variant.
Coding change: c.3883+1G>A on transcript NM_000548.5 (MANE Select); the canonical splice donor site of the intron after coding-DNA position 3883, G replaced by A.
Molecular consequence: splice donor variant. On other transcripts: missense variant (1), intron variant (33).
Genome position (GRCh38, 1-based): chr16:2,082,505, G>A. VCF-style: chr16-2082505-G-A. GRCh37 (hg19) VCF-style: chr16-2132506-G-A.
Other names: c.3752G>A, p.Gly1251Asp (NM_001406665.1); c.2341+707G>A (NM_001406693.1, NM_001406692.1, NM_001406694.1); c.3775+707G>A (NM_001406667.1); c.3772+707G>A (NM_001406668.1); c.3283+1G>A (NM_001406680.1); c.3214+707G>A (NM_001406683.1, NM_001406682.1); c.3082+707G>A (NM_001406687.1, NM_001406688.1); c.2470+707G>A (NM_001406689.1); and 27 more; short protein forms G1251D.
Identifiers: ClinVar variation 1021490 (VCV001021490.7), dbSNP rs2090268989, ClinGen allele CA394295337.